The following is an entry in ClinVar:

NM_004380.3(CREBBP):c.4055C>G (p.Pro1352Arg)

Gene: CREBBP (CREB binding protein; minus strand). Cytogenetic location: 16p13.3.
Variant type: single nucleotide variant.
Coding change: c.4055C>G on transcript NM_004380.3 (MANE Select); coding-DNA position 4055, C replaced by G.
Protein change: p.Pro1352Arg; replaces proline 1352 with arginine.
Molecular consequence: missense variant.
Genome position (GRCh38, 1-based): chr16:3,740,477, G>C on the plus strand (C>G on the coding strand, the complement: CREBBP is on the minus strand). VCF-style: chr16-3740477-G-C. GRCh37 (hg19) VCF-style: chr16-3790478-G-C.
Other names: c.3941C>G, p.Pro1314Arg (NM_001079846.1); short protein forms P1314R, P1352R.
Identifiers: ClinVar variation 3764245 (VCV003764245.1).

ClinVar aggregate classification (germline): Uncertain significance (1 of 4 stars; one submission).

gnomAD v4.1: 3 of 1,614,212 alleles (0.00019%); highest among the groups gnomAD compares: Non-Finnish European, 0.00025%; no homozygotes.

Submission:

GeneDx
Classification: Uncertain significance. Last evaluated: 2024-08-19. Review status: criteria provided, single submitter. Criteria: GeneDx Variant Classification Process June 2021. Collection method: clinical testing. Allele origin: germline. Affected: yes.
Comment: Not observed at significant frequency in large population cohorts (gnomAD); In silico analysis supports that this missense variant has a deleterious effect on protein structure/function; Has not been previously published as pathogenic or benign to our knowledge